The following is an entry in ClinVar:

ClinVar aggregate classification (germline): Likely benign (0 of 4 stars; one submission).

Conditions:
DMXL1-related disorder. Also called: DMXL1-related condition.

Allele frequency attached by ClinVar (database versions not stated): ExAC 0.00001; gnomAD exomes 0.00001; gnomAD 0.00003; ESP Exome Variant Server 0.00008.
gnomAD v4.1: 28 of 1,600,522 alleles (0.0017%); highest among the groups gnomAD compares: Admixed American, 0.01%; no homozygotes.

Submission:

PreventionGenetics, part of Exact Sciences
Classification: Likely benign for DMXL1-related condition. Last evaluated: 2019-09-10. Review status: no assertion criteria provided. Collection method: clinical testing. Allele origin: germline.
Comment: This variant is classified as likely benign based on ACMG/AMP sequence variant interpretation guidelines (Richards et al. 2015 PMID: 25741868, with internal and published modifications).

NM_001290321.3(DMXL1):c.4896A>G (p.Arg1632=)

Gene: DMXL1 (Dmx like 1; plus strand). Cytogenetic location: 5q23.1.
Variant type: single nucleotide variant.
Coding change: c.4896A>G on transcript NM_001290321.3 (MANE Select); coding-DNA position 4896, A replaced by G.
Protein change: p.Arg1632=; no amino-acid change (arginine 1632 retained).
Molecular consequence: synonymous variant. On other transcripts: non-coding transcript variant (2).
Genome position (GRCh38, 1-based): chr5:119,165,206, A>G. VCF-style: chr5-119165206-A-G. GRCh37 (hg19) VCF-style: chr5-118500901-A-G.
Other names: c.4896A>G, p.Arg1632= (NM_001349239.2, NM_001349240.2, NM_001387933.1 and 2 more transcripts); c.4191A>G, p.Arg1397= (NM_001387937.1); c.3909A>G, p.Arg1303= (NM_001387938.1).
Identifiers: ClinVar variation 3040834 (VCV003040834.2), dbSNP rs372297816, ClinGen allele CA3380247.